The following is an entry in ClinVar:

ClinVar aggregate classification (germline): Benign/Likely benign. Review status: criteria provided, multiple submitters, no conflicts (2 of 4 stars). 7 submissions from 7 submitters: Benign (6); Likely benign (1). Last evaluated 2026-01-28.

Conditions:
Congenital muscular dystrophy due to integrin alpha-7 deficiency. Also called: MYOPATHY, CONGENITAL, DUE TO INTEGRIN ALPHA-7 DEFICIENCY; Congenital muscular dystrophy with integrin alpha-7 deficiency; Muscular dystrophy, congenital, due to ITGA7 deficiency. Identifiers: Orphanet 34520, MedGen C2750786, MONDO:0013177, OMIM 613204.

Allele frequency attached by ClinVar (database versions not stated): gnomAD exomes 0.00059 and 0.00146; ExAC 0.00317; 1000 Genomes Project 30x 0.00593; ESP Exome Variant Server 0.00632; 1000 Genomes Project 0.00639; gnomAD 0.00671 and 0.00719; TOPMed 0.00785.
gnomAD v4.1: 1,941 of 1,604,662 alleles (0.12%); highest among the groups gnomAD compares: African/African-American, 2.2%; 21 homozygotes.

Submissions (7):

Labcorp Genetics (formerly Invitae), Labcorp
Classification: Benign for Congenital muscular dystrophy due to integrin alpha-7 deficiency. Last evaluated: 2026-01-28. Review status: criteria provided, single submitter. Criteria: Invitae Variant Classification Sherloc (09022015). Collection method: clinical testing. Allele origin: germline.

Blueprint Genetics
Classification: Likely benign. Last evaluated: 2024-11-26. Review status: criteria provided, single submitter. Criteria: ACMG Guidelines, 2015. Collection method: clinical testing. Allele origin: germline.

Mayo Clinic Laboratories, Mayo Clinic
Classification: Benign. Last evaluated: 2023-09-22. Review status: criteria provided, single submitter. Criteria: ACMG Guidelines, 2015. Collection method: clinical testing. Allele origin: germline. Observed: 9 variant alleles.
Comment: BA1, BP4

GeneDx
Classification: Benign. Last evaluated: 2018-09-24. Review status: criteria provided, single submitter. Criteria: GeneDx Variant Classification Process June 2021. Collection method: clinical testing. Allele origin: germline. Affected: yes.

Center for Pediatric Genomic Medicine, Children's Mercy Hospital and Clinics
Classification: Benign. Last evaluated: 2017-05-03. Review status: criteria provided, single submitter. Criteria: ACMG Guidelines, 2015. Collection method: clinical testing. Allele origin: germline.

Breakthrough Genomics
Classification: Benign. Review status: criteria provided, single submitter. Criteria: ACMG Guidelines, 2015. Collection method: not provided. Allele origin: germline. Inheritance: Autosomal recessive inheritance. Affected: yes.

PreventionGenetics, part of Exact Sciences
Classification: Benign. Review status: criteria provided, single submitter. Criteria: ACMG Guidelines, 2015. Collection method: clinical testing. Allele origin: germline.

NM_002206.3(ITGA7):c.46T>G (p.Cys16Gly)

Gene: ITGA7 (integrin subunit alpha 7; minus strand). Cytogenetic location: 12q13.2.
Variant type: single nucleotide variant.
Coding change: c.46T>G on transcript NM_002206.3 (MANE Select); coding-DNA position 46, T replaced by G.
Protein change: p.Cys16Gly; replaces cysteine 16 with glycine.
Molecular consequence: missense variant. On other transcripts: 5 prime UTR variant (1), intron variant (3).
Genome position (GRCh38, 1-based): chr12:55,707,637, A>C on the plus strand (T>G on the coding strand, the complement: ITGA7 is on the minus strand). VCF-style: chr12-55707637-A-C. GRCh37 (hg19) VCF-style: chr12-56101421-A-C.
Other names: p.Cys16Gly; c.46T>G, p.Cys16Gly (NM_001144996.2, NM_001374465.1, NM_001410977.1 and 6 more transcripts); c.-1127T>G (NM_001367994.1); c.85+4426T>G (NM_001144997.2); c.-134+4426T>G (NM_001367993.1, NM_001414035.1); short protein forms C16G.
Identifiers: ClinVar variation 258588 (VCV000258588.24), dbSNP rs142060614, ClinGen allele CA6616473.